The following is an entry in ClinVar:

ClinVar aggregate classification (germline): Uncertain significance (1 of 4 stars; one submission).

gnomAD v4.1: 2 of 1,614,122 alleles (0.00012%); highest among the groups gnomAD compares: Admixed American, 0.0017%; no homozygotes.

Submission:

Dasa
Classification: Uncertain significance. Last evaluated: 2025-04-04. Review status: criteria provided, single submitter. Criteria: DASA Assertion Criteria. Collection method: clinical testing. Allele origin: germline.
Comment: NM_025099.6(CTC1):c.2971T>C (p.Tyr991His) is a missense variant that results in the substitution of tyrosine with histidine. This variant is rare in population databases. Computational prediction algorithms are consistent with a benign effect. The currently available literature and clinical evidence are not sufficient to establish a definitive association between this variant and the reported condition. Therefore, this variant is classified as a variant of uncertain significance.

NM_025099.6(CTC1):c.2971T>C (p.Tyr991His)

Gene: CTC1 (CST telomere replication complex component 1; minus strand). Cytogenetic location: 17p13.1.
Variant type: single nucleotide variant.
Coding change: c.2971T>C on transcript NM_025099.6 (MANE Select); coding-DNA position 2971, T replaced by C.
Protein change: p.Tyr991His; replaces tyrosine 991 with histidine.
Molecular consequence: missense variant. On other transcripts: non-coding transcript variant (1).
Genome position (GRCh38, 1-based): chr17:8,229,931, A>G on the plus strand (T>C on the coding strand, the complement: CTC1 is on the minus strand). VCF-style: chr17-8229931-A-G. GRCh37 (hg19) VCF-style: chr17-8133249-A-G.
Other names: c.2971T>C, p.Tyr991His (NM_001411067.1); short protein forms Y991H.
Identifiers: ClinVar variation 4883389 (VCV004883389.2).